The following is an entry in ClinVar:

NM_000218.3(KCNQ1):c.573_577del (p.Arg192fs)

Gene: KCNQ1 (potassium voltage-gated channel subfamily Q member 1; plus strand). Cytogenetic location: 11p15.5.
Variant type: Deletion.
Coding change: c.573_577del on transcript NM_000218.3 (MANE Select); coding-DNA positions 573 to 577, 5 bases deleted (GCGCT; older notation c.573_577delGCGCT).
Protein change: p.Arg192fs; shifts the reading frame from arginine 192.
Molecular consequence: frameshift variant.
Genome position (GRCh38, 1-based): chr11:2,570,723-2,570,727, GCGCT deleted; deleting any 5 consecutive bases within chr11:2,570,720-2,570,727 gives the same sequence; the c. name uses the placement nearest the transcript's 3' end. VCF-style (leftmost placement, unchanged base first): chr11-2570719-GGCTGC-G. GRCh37 (hg19) VCF-style: chr11-2591949-GGCTGC-G.
Other names: NP_000209.2:p.Arg518Ter; p.Arg192Cysfs*91; c.192_196delGCGCT (NM_181798.1); c.573_577delGCGCT, p.Arg192Cysfs (NM_000218.2, NM_001406836.1); c.303_307delGCGCT, p.Arg102Cysfs (NM_001406837.1); c.192_196delGCGCT, p.Arg65Cysfs (NM_181798.2); short protein forms R192fs, R65fs.
Identifiers: ClinVar variation 53072 (VCV000053072.66), dbSNP rs397508118, ClinGen allele CA007559.

ClinVar aggregate classification (germline): Pathogenic/Likely pathogenic. Review status: criteria provided, multiple submitters, no conflicts (2 of 4 stars). 21 submissions from 20 submitters: Pathogenic (19); Likely pathogenic (1). 1 of the submissions does not count toward it. Last evaluated 2025-12-10.

Conditions:
Jervell and Lange-Nielsen syndrome (JLNS). Also called: Jervell-Lange Nielsen syndrome. Identifiers: Orphanet 90647, MedGen C0022387, MONDO:0002441.
Familial long QT syndrome (RWS). Also called: Congenital long QT syndrome; Romano-Ward syndrome; VENTRICULAR FIBRILLATION WITH PROLONGED QT INTERVAL. Identifiers: Orphanet 768, MedGen C1141890, MONDO:0019171.
Cardiovascular phenotype. Identifiers: MedGen CN230736.
KCNQ1-related disorder. Also called: KCNQ1-related condition; KCNQ1-related disorders. Identifiers: MedGen CN239322.
Cardiac arrhythmia. Also called: Arrhythmia; Cardiac rhythm disease. Identifiers: MedGen C0003811, MONDO:0007263, HP:0011675.
Long QT syndrome 1 (LQT1). Identifiers: Orphanet 101016, Orphanet 768, MedGen C4551647, MONDO:0100316, OMIM 192500, MONDO:0008646.
Jervell and Lange-Nielsen syndrome 1 (JLNS1). Also called: CARDIOAUDITORY SYNDROME OF JERVELL AND LANGE-NIELSEN; DEAFNESS, CONGENITAL, AND FUNCTIONAL HEART DISEASE; PROLONGED QT INTERVAL IN EKG AND SUDDEN DEATH; SURDO-CARDIAC SYNDROME. Identifiers: Orphanet 768, Orphanet 90647, MedGen C4551509, MONDO:0024540, OMIM 220400.
Long QT syndrome (LQTS). Identifiers: MedGen C0023976, MeSH D008133, MONDO:0002442. Disease mechanism: loss of function. Inheritance: Various modes of inheritance.

Submissions 1 to 9 of 21:

Labcorp Genetics (formerly Invitae), Labcorp
Classification: Pathogenic for Long QT syndrome. Last evaluated: 2025-12-10. Review status: criteria provided, single submitter. Criteria: Invitae Variant Classification Sherloc (09022015). Collection method: clinical testing. Allele origin: germline.
Comment: This sequence change creates a premature translational stop signal (p.Arg192Cysfs*91) in the KCNQ1 gene. It is expected to result in an absent or disrupted protein product. Loss-of-function variants in KCNQ1 are known to be pathogenic (PMID: 9323054, 19862833). This variant is present in population databases (rs764567762, gnomAD 0.003%). This premature translational stop signal has been observed in individual(s) with long QT syndrome (PMID: 10560595, 11530100, 22539601, 23392653, 24666684). ClinVar contains an entry for this variant (Variation ID: 53072). Algorithms developed to predict the effect of sequence changes on RNA splicing suggest that this variant may create or strengthen a splice site. For these reasons, this variant has been classified as Pathogenic.

Mayo Clinic Laboratories, Mayo Clinic
Classification: Pathogenic. Last evaluated: 2025-07-30. Review status: criteria provided, single submitter. Criteria: ACMG Guidelines, 2015. Collection method: clinical testing. Allele origin: germline. Observed: 1 variant allele.
Comment: PM2_supporting, PM3_strong, PS4, PVS1

Ambry Genetics
Classification: Pathogenic for Cardiovascular phenotype. Last evaluated: 2025-04-07. Review status: criteria provided, single submitter. Criteria: Ambry Variant Classification Scheme 2023. Collection method: clinical testing. Allele origin: germline.
Comment: The c.573_577delGCGCT pathogenic mutation, located in coding exon 3 of the KCNQ1 gene, results from a deletion of 5 nucleotides at positions 573 to 577, causing a translational frameshift with a predicted alternate stop codon (p.R192Cfs*91). This alteration has been described in several homozygous and compound heterozygous families with autosomal recessive Jervell and Lange-Nielsen syndrome, and haplotype analysis has suggested a founder mutation effect in Norway (Tranebjaerg L et al. Am J Med Genet. 1999;89:137-46). Among these families, this alteration also was detected in the heterozygous state in multiple unaffected relatives; however, in other studies, this alteration was reported in heterozygous individuals with autosomal dominant long QT syndrome (LQTS) (Ackerman MJ et al. Mayo Clin Proc.1999;74:1088-94; Anderson HN et al. Cardiol Young. 2015;25:376-9), suggesting co-segregation with incomplete penetrance. In addition to the clinical data presented in the literature, this alteration is expected to result in loss of function by premature protein truncation or nonsense-mediated mRNA decay. As such, this alteration is interpreted as a disease-causing mutation.

PreventionGenetics, part of Exact Sciences
Classification: Pathogenic for KCNQ1-related condition. Last evaluated: 2025-02-03. Review status: criteria provided, single submitter. Criteria: ACMG Guidelines, 2015. Collection method: clinical testing. Allele origin: germline.
Comment: The KCNQ1 c.573_577del5 variant is predicted to result in a frameshift and premature protein termination (p.Arg192Cysfs*91). This variant (also described as "572del5", "572_576del", and "L191FS/90" in the literature) has been reported and shown to co-segregate with incomplete penetrance in multiple heterozygous individuals with Long QT syndrome 1 (Tester et al. 2005. PubMed ID: 15840476; Table S1, Lieve et al. 2013. PubMed ID: 23631430; Table S1, Schwartz et al. 2021. PubMed ID: 34505893). It has also been reported in multiple homozygous and compound heterozygous individuals with autosomal recessive Jervell and Lange-Neilsen syndrome (Tranebjaerg et al. 1999. PubMed ID: 10704188; Winbo et al. 2012. PubMed ID: 22539601; González et al. 2018. PubMed ID: 30406014). This variant is reported in 0.0035% of alleles in individuals of European (non-Finnish) descent in gnomAD. Frameshift variants in KCNQ1 are expected to be pathogenic. Taken together, this variant is interpreted as pathogenic.

Blueprint Genetics
Classification: Pathogenic for KCNQ1-related disorders. Last evaluated: 2024-10-01. Review status: criteria provided, single submitter. Criteria: ACMG Guidelines, 2015. Collection method: clinical testing. Allele origin: germline. Affected: yes. Observed: 5 variant alleles.

Color Diagnostics, LLC DBA Color Health
Classification: Pathogenic for Cardiac arrhythmia. Last evaluated: 2024-04-30. Review status: criteria provided, single submitter. Criteria: ACMG Guidelines, 2015. Collection method: clinical testing. Allele origin: germline.
Comment: This variant (also known as 572del5 and c.572_576del in published literature due to the use of alternate nomenclature) deletes 5 nucleotides in exon 3 of the KCNQ1 gene, creating a frameshift and premature translation stop signal. This variant is expected to result in an absent or non-functional protein product. This variant has been reported in homozygous or compound heterozygous states in many individuals affected with Jervell and Lange-Nielsen syndrome from 15 different families of Norwegian or Swedish ancestry, and in heterozygous state in 3 relatives affected with long QT syndrome and in 29 asymptomatic relatives from these families (PMID: 10704188, 22539601, 25471708, 27451284, 30406014). This variant has also been reported in another 8 unrelated individuals affected with long QT syndrome (PMID: 24666684, 30369311, 31246743, 31520628, 32893267). This variant has been identified in 4/249462 chromosomes in the general population by the Genome Aggregation Database (gnomAD). Loss of KCNQ1 function is a known mechanism of disease. Based on the available evidence, this variant is classified as Pathogenic.

Clinical Genetics Laboratory, Skane University Hospital Lund
Classification: Pathogenic. Last evaluated: 2024-03-27. Review status: criteria provided, single submitter. Criteria: ACMG Guidelines, 2015. Collection method: clinical testing. Allele origin: germline. Affected: yes.

All of Us Research Program, National Institutes of Health
Classification: Pathogenic for Long QT syndrome. Last evaluated: 2024-03-25. Review status: criteria provided, single submitter. Criteria: ACMG Guidelines, 2015. Collection method: clinical testing. Allele origin: germline. Inheritance: Autosomal dominant inheritance. Observed: 7 variant alleles, 7 heterozygotes.
Comment: This variant (also known as 572del5 and c.572_576del in published literature due to the use of alternate nomenclature) deletes 5 nucleotides in exon 3 of the KCNQ1 gene, creating a frameshift and premature translation stop signal. This variant is expected to result in an absent or non-functional protein product. A functional study has shown that this variant does not produce any significant potassium current and has a mild dominant negative effect when co-expressed with wild-type KCNQ1 channels in Xenopus laevis oocytes (PMID: 11530100). This variant has been reported in homozygous or compound heterozygous states in many individuals affected with Jervell and Lange-Nielsen syndrome from 15 different families of Norwegian or Swedish ancestry, and in heterozygous state in 3 relatives affected with long QT syndrome and in 29 asymptomatic relatives from these families (PMID: 10704188, 22539601, 25471708, 27451284, 30406014). This variant has also been reported in another 8 unrelated individuals affected with long QT syndrome (PMID: 24666684, 30369311, 31246743, 31520628, 32893267). This variant has been identified in 4/249462 chromosomes in the general population by the Genome Aggregation Database (gnomAD). Loss of KCNQ1 function is a known mechanism of disease. Based on the available evidence, this variant is classified as Pathogenic.

This study involves interpretation of variants in research participants for the purpose of population health screening. Participant phenotype was not available at the time of variant classification. Additional details can be found in publication PMID: 35346344, PMCID: PMC8962531

Oxford Medical Genetics Laboratories, Oxford University Hospitals NHS Foundation Trust
Classification: Pathogenic for Long QT syndrome 1. Last evaluated: 2023-03-23. Review status: criteria provided, single submitter. Criteria: ACMG Guidelines, 2015. Collection method: clinical testing. Allele origin: germline. Affected: yes.